The following is an entry in ClinVar:

ClinVar aggregate classification (germline): Uncertain significance (1 of 4 stars; one submission).

gnomAD v4.1: 17 of 1,519,478 alleles (0.0011%); highest among the groups gnomAD compares: Non-Finnish European, 0.0014%; no homozygotes.

Submission:

Women's Health and Genetics/Laboratory Corporation of America, LabCorp
Classification: Uncertain significance. Last evaluated: 2026-04-27. Review status: criteria provided, single submitter. Criteria: LabCorp Variant Classification Summary - May 2015. Collection method: clinical testing. Allele origin: germline.
Comment: Variant summary: ZFHX2 c.4227G>C (p.Glu1409Asp) results in a conservative amino acid change in the encoded protein sequence. Algorithms developed to predict the effect of missense changes on protein structure and function are either unavailable or do not agree on the potential impact of this missense change. The variant allele was found at a frequency of 1.7e-05 in 118984 control chromosomes. The available data on variant occurrences in the general population are insufficient to allow any conclusion about variant significance. To our knowledge, no occurrence of c.4227G>C in individuals affected with ZFHX2-related conditions and no experimental evidence demonstrating its impact on protein function have been reported. No submitters have cited clinical-significance assessments for this variant to ClinVar. Based on the evidence outlined above, the variant was classified as uncertain significance.

NM_033400.3(ZFHX2):c.4227G>C (p.Glu1409Asp)

Genes: THTPA (thiamine triphosphatase; plus strand), ZFHX2 (zinc finger homeobox 2; minus strand). Cytogenetic location: 14q11.2.
Variant type: single nucleotide variant.
Coding change: c.4227G>C on transcript NM_033400.3 (MANE Select); coding-DNA position 4227, G replaced by C.
Protein change: p.Glu1409Asp; replaces glutamic acid 1409 with aspartic acid.
Molecular consequence: missense variant.
Genome position (GRCh38, 1-based): chr14:23,525,715, C>G on the plus strand (G>C on the coding strand, the complement: ZFHX2 is on the minus strand). VCF-style: chr14-23525715-C-G. GRCh37 (hg19) VCF-style: chr14-23994924-C-G.
Other names: short protein forms E1409D.
Identifiers: ClinVar variation 4849027 (VCV004849027.1).